The following is an entry in ClinVar:

ClinVar aggregate classification (germline): Likely benign. Review status: criteria provided, multiple submitters, no conflicts (2 of 4 stars). 3 submissions from 3 submitters: Likely benign (2). 1 of the submissions does not count toward it. Last evaluated 2018-10-30.

Conditions:
HDLBP-related disorder. Also called: HDLBP-related condition.

Allele frequency attached by ClinVar (database versions not stated): ExAC 0.00143; ESP Exome Variant Server 0.00246; 1000 Genomes Project 0.00020; gnomAD 0.00208 and 0.00212; TOPMed 0.00210; 1000 Genomes Project 30x 0.00016; gnomAD exomes 0.00167 and 0.00305.
gnomAD v4.1: 4,828 of 1,614,176 alleles (0.3%); highest among the groups gnomAD compares: Non-Finnish European, 0.37%; 10 homozygotes.

Submissions (3):

Labcorp Genetics (formerly Invitae), Labcorp
Classification: Likely benign. Last evaluated: 2018-10-30. Review status: criteria provided, single submitter. Criteria: Invitae Variant Classification Sherloc (09022015). Collection method: clinical testing. Allele origin: germline.

Breakthrough Genomics
Classification: Likely benign. Review status: criteria provided, single submitter. Criteria: ACMG Guidelines, 2015. Collection method: not provided. Allele origin: germline. Inheritance: Unknown mechanism. Affected: yes.

PreventionGenetics, part of Exact Sciences
Classification: Likely benign for HDLBP-related condition. Last evaluated: 2019-06-11. Review status: no assertion criteria provided. Collection method: clinical testing. Allele origin: germline. Not counted in ClinVar's aggregate classification.
Comment: This variant is classified as likely benign based on ACMG/AMP sequence variant interpretation guidelines (Richards et al. 2015 PMID: 25741868, with internal and published modifications).

NM_005336.6(HDLBP):c.2010C>A (p.Gly670=)

Gene: HDLBP (high density lipoprotein binding protein; minus strand). Cytogenetic location: 2q37.3.
Variant type: single nucleotide variant.
Coding change: c.2010C>A on transcript NM_005336.6 (MANE Select); coding-DNA position 2010, C replaced by A.
Protein change: p.Gly670=; no amino-acid change (glycine 670 retained).
Molecular consequence: synonymous variant.
Genome position (GRCh38, 1-based): chr2:241,242,619, G>T on the plus strand (C>A on the coding strand, the complement: HDLBP is on the minus strand). VCF-style: chr2-241242619-G-T. GRCh37 (hg19) VCF-style: chr2-242182034-G-T.
Other names: c.1911C>A, p.Gly637= (NM_001243900.3); c.2010C>A, p.Gly670= (NM_001320965.3, NM_001320966.3, NM_001320967.3 and 1 more transcripts); c.2010C>A (NM_001320966.1).
Identifiers: ClinVar variation 784464 (VCV000784464.6), dbSNP rs142118765, ClinGen allele CA2216475.